The following is an entry in ClinVar:

ClinVar aggregate classification (germline): Uncertain significance. Review status: criteria provided, multiple submitters, no conflicts (2 of 4 stars). 2 submissions from 2 submitters: Uncertain significance (2). Last evaluated 2025-06-15.

Conditions:
Inborn genetic diseases. Identifiers: MedGen C0950123, MeSH D030342.
Benign neonatal seizures. Also called: Benign familial neonatal seizures; Benign neonatal familial convulsions; Benign familial neonatal epilepsy; Convulsions benign familial neonatal dominant form; Autosomal dominant form of benign neonatal seizures. Identifiers: Orphanet 1949, MedGen C0220669, MONDO:0016027.

Allele frequency attached by ClinVar (database versions not stated): gnomAD exomes 0.00001; TOPMed below 0.00001.
gnomAD v4.1: 3 of 1,614,120 alleles (0.00019%); highest among the groups gnomAD compares: Middle Eastern, 0.016%; no homozygotes.

Submissions (2):

Labcorp Genetics (formerly Invitae), Labcorp
Classification: Uncertain significance for Benign neonatal seizures. Last evaluated: 2025-06-15. Review status: criteria provided, single submitter. Criteria: Invitae Variant Classification Sherloc (09022015). Collection method: clinical testing. Allele origin: germline.
Comment: This sequence change replaces valine, which is neutral and non-polar, with phenylalanine, which is neutral and non-polar, at codon 747 of the KCNQ3 protein (p.Val747Phe). This variant is not present in population databases (gnomAD no frequency). This variant has not been reported in the literature in individuals affected with KCNQ3-related conditions. ClinVar contains an entry for this variant (Variation ID: 570729). Invitae Evidence Modeling of protein sequence and biophysical properties (such as structural, functional, and spatial information, amino acid conservation, physicochemical variation, residue mobility, and thermodynamic stability) indicates that this missense variant is not expected to disrupt KCNQ3 protein function with a negative predictive value of 95%. In summary, the available evidence is currently insufficient to determine the role of this variant in disease. Therefore, it has been classified as a Variant of Uncertain Significance.

Ambry Genetics
Classification: Uncertain significance for Inborn genetic diseases. Last evaluated: 2023-05-26. Review status: criteria provided, single submitter. Criteria: Ambry Variant Classification Scheme 2023. Collection method: clinical testing. Allele origin: germline.

NM_004519.4(KCNQ3):c.2239G>T (p.Val747Phe)

Gene: KCNQ3 (potassium voltage-gated channel subfamily Q member 3; minus strand). Cytogenetic location: 8q24.22.
Variant type: single nucleotide variant.
Coding change: c.2239G>T on transcript NM_004519.4 (MANE Select); coding-DNA position 2239, G replaced by T.
Protein change: p.Val747Phe; replaces valine 747 with phenylalanine.
Molecular consequence: missense variant.
Genome position (GRCh38, 1-based): chr8:132,129,642, C>A on the plus strand (G>T on the coding strand, the complement: KCNQ3 is on the minus strand). VCF-style: chr8-132129642-C-A. GRCh37 (hg19) VCF-style: chr8-133141889-C-A.
Other names: c.1879G>T, p.Val627Phe (NM_001204824.2); short protein forms V747F, V627F.
Identifiers: ClinVar variation 570729 (VCV000570729.10), dbSNP rs1563761711, ClinGen allele CA372216355.
Genomic context (GRCh38, chr8:132,129,642, plus strand): 5'-GCAGGTCAGCCTGGGAGTGGCAGCTCACTCGGGAGTCGAGAAGAGTCAAGATAGGCAGGA[C>A]CGTGGGCCTCTCCACATACGTTGTTGCTGAGGAAGGAGGAGTTGCCTGAACCTTTCCAGA-3'
Protein context (NP_004510.1, residues 737-757): SATTYVERPT[Val747Phe]LPILTLLDSR